The following is an entry in ClinVar:

ClinVar aggregate classification (germline): Pathogenic (1 of 4 stars; one submission).

Conditions:
Muscular dystrophy-dystroglycanopathy (congenital with brain and eye anomalies), type A14. Also called: Congenital Muscular Dystrophy-Dystroglycanopathy with Brain and Eye Anomalies Type A 14; Congenital muscular dystrophy-dystroglycanopathy with brain and eye anomalies, type A14; Muscular dystrophy-dystroglycanopathy (congenital with brain and eye anomalies), type a, 14; WALKER-WARBURG SYNDROME OR MUSCLE-EYE-BRAIN DISEASE, GMPPB-RELATED. Identifiers: Orphanet 588, MedGen C3809216, MONDO:0014140, OMIM 615350.
Muscular dystrophy-dystroglycanopathy (congenital with impaired intellectual development), type B, 14. Also called: Congenital muscular dystrophy-dystroglycanopathy with mental retardation, type B14; MUSCULAR DYSTROPHY, CONGENITAL, GMPPB-RELATED; Muscular dystrophy-dystroglycanopathy (congenital with intellectual disability), type B14. Identifiers: MedGen C3809221, MONDO:0014141, OMIM 615351.
Autosomal recessive limb-girdle muscular dystrophy type 2T. Also called: Limb-girdle muscular dystrophy-dystroglycanopathy, type C14; MUSCULAR DYSTROPHY-DYSTROGLYCANOPATHY, LIMB-GIRDLE, GMPPB-RELATED; MUSCULAR DYSTROPHY, LIMB-GIRDLE, TYPE 2T; Muscular dystrophy-dystroglycanopathy (limb-girdle), type c, 14. Identifiers: Orphanet 363623, MedGen C4518000, MONDO:0014142, OMIM 615352.

Allele frequency attached by ClinVar (database versions not stated): gnomAD exomes below 0.00001.
gnomAD v4.1: 3 of 1,585,730 alleles (0.00019%); highest among the groups gnomAD compares: Non-Finnish European, 0.00026%; no homozygotes.

Submission:

Labcorp Genetics (formerly Invitae), Labcorp
Classification: Pathogenic for Autosomal recessive limb-girdle muscular dystrophy type 2T; Muscular dystrophy-dystroglycanopathy (congenital with brain and eye anomalies), type A14; Muscular dystrophy-dystroglycanopathy (congenital with impaired intellectual development), type B, 14. Last evaluated: 2026-01-05. Review status: criteria provided, single submitter. Criteria: Invitae Variant Classification Sherloc (09022015). Collection method: clinical testing. Allele origin: germline.
Comment: This sequence change creates a premature translational stop signal (p.Gln37*) in the GMPPB gene. It is expected to result in an absent or disrupted protein product. Loss-of-function variants in GMPPB are known to be pathogenic (PMID: 23768512, 26310427). This variant is not present in population databases (gnomAD no frequency). This variant has not been reported in the literature in individuals affected with GMPPB-related conditions. ClinVar contains an entry for this variant (Variation ID: 647358). For these reasons, this variant has been classified as Pathogenic.

Literature cited by the submitters: PubMed 23768512; PubMed 26310427.

NM_021971.4(GMPPB):c.109C>T (p.Gln37Ter)

Gene: GMPPB (GDP-mannose pyrophosphorylase B; minus strand). Cytogenetic location: 3p21.31.
Variant type: single nucleotide variant.
Coding change: c.109C>T on transcript NM_021971.4 (MANE Select); coding-DNA position 109, C replaced by T.
Protein change: p.Gln37Ter; replaces glutamine 37 with a stop codon.
Molecular consequence: nonsense.
Genome position (GRCh38, 1-based): chr3:49,723,618, G>A on the plus strand (C>T on the coding strand, the complement: GMPPB is on the minus strand). VCF-style: chr3-49723618-G-A. GRCh37 (hg19) VCF-style: chr3-49761051-G-A.
Other names: c.109C>T, p.Gln37Ter (NM_013334.4); short protein forms Q37*.
Identifiers: ClinVar variation 647358 (VCV000647358.3), dbSNP rs1348189028, ClinGen allele CA352831347.
Genomic context (GRCh38, chr3:49,723,618, plus strand): 5'-CAGATCCGAACGCGACTCTGATCCCGACCCAGGGTCTTACCGCGGCTAGCGCCTCCACTT[G>A]GTGCAGCAAGATGGGCTTATTGCAGAAGTCCACCAGTGGCTTCGGGGTGCTCAGCGTCAG-3'